The following is an entry in ClinVar:

NM_015488.5(PNKD):c.29T>C (p.Leu10Pro)

Genes: PNKD (PNKD metallo-beta-lactamase domain containing; plus strand), LOC129935594 (ATAC-STARR-seq lymphoblastoid active region 17117; plus strand). Cytogenetic location: 2q35.
Variant type: single nucleotide variant.
Coding change: c.29T>C on transcript NM_015488.5 (MANE Select); coding-DNA position 29, T replaced by C.
Protein change: p.Leu10Pro; replaces leucine 10 with proline.
Molecular consequence: missense variant.
Genome position (GRCh38, 1-based): chr2:218,270,564, T>C. VCF-style: chr2-218270564-T-C. GRCh37 (hg19) VCF-style: chr2-219135287-T-C.
Other names: c.29T>C, p.Leu10Pro (NM_001077399.3); short protein forms L10P.
Identifiers: ClinVar variation 3648182 (VCV003648182.2).

ClinVar aggregate classification (germline): Uncertain significance (1 of 4 stars; one submission).

Conditions:
Paroxysmal nonkinesigenic dyskinesia. Also called: Paroxysmal non-kinesigenic dyskinesia. Identifiers: Orphanet 98810, MedGen C1869117, MONDO:0700088.

gnomAD v4.1: 2 of 1,212,268 alleles (0.00016%); highest among the groups gnomAD compares: South Asian, 0.0032%; no homozygotes.

Submission:

Labcorp Genetics (formerly Invitae), Labcorp
Classification: Uncertain significance for Paroxysmal nonkinesigenic dyskinesia. Last evaluated: 2024-04-05. Review status: criteria provided, single submitter. Criteria: Invitae Variant Classification Sherloc (09022015). Collection method: clinical testing. Allele origin: germline.
Comment: This sequence change replaces leucine, which is neutral and non-polar, with proline, which is neutral and non-polar, at codon 10 of the PNKD protein (p.Leu10Pro). This variant is not present in population databases (gnomAD no frequency). This variant has not been reported in the literature in individuals affected with PNKD-related conditions. An algorithm developed to predict the effect of missense changes on protein structure and function (PolyPhen-2) suggests that this variant is likely to be disruptive. In summary, the available evidence is currently insufficient to determine the role of this variant in disease. Therefore, it has been classified as a Variant of Uncertain Significance.